The following is an entry in ClinVar:

NM_006186.4(NR4A2):c.591_592del (p.Leu198fs)

Gene: NR4A2 (nuclear receptor subfamily 4 group A member 2; minus strand). Cytogenetic location: 2q24.1.
Variant type: Deletion.
Coding change: c.591_592del on transcript NM_006186.4 (MANE Select); coding-DNA positions 591 to 592, 2 bases deleted (CC; older notation c.591_592delCC).
Protein change: p.Leu198fs; shifts the reading frame from leucine 198.
Molecular consequence: frameshift variant.
Genome position (GRCh38, 1-based): chr2:156,329,595-156,329,596, GG deleted on the plus strand (CC on the coding strand, the reverse complement: NR4A2 is on the minus strand); deleting any 2 consecutive bases within chr2:156,329,595-156,329,598 gives the same sequence; the c. name uses the placement nearest the transcript's 3' end. VCF-style (leftmost placement, unchanged base first): chr2-156329594-AGG-A. GRCh37 (hg19) VCF-style: chr2-157186106-AGG-A.
Other names: c.402_403del, p.Leu135fs (NM_173173.3); short protein forms L135fs, L198fs.
Identifiers: ClinVar variation 2576541 (VCV002576541.1), dbSNP rs2468287811, ClinGen allele CA2580614369.

ClinVar aggregate classification (germline): Pathogenic (1 of 4 stars; one submission).

Conditions:
Intellectual developmental disorder with language impairment and early-onset DOPA-responsive dystonia-parkinsonism (IDLDP). Identifiers: Orphanet 660017, MedGen C5677001, MONDO:0859257, OMIM 619911.

Submission:

Institute of Human Genetics, FAU Erlangen, Friedrich-Alexander-Universität Erlangen-Nürnberg
Classification: Pathogenic for Intellectual developmental disorder with language impairment and early-onset DOPA-responsive dystonia-parkinsonism. Last evaluated: 2023-08-21. Review status: criteria provided, single submitter. Criteria: Hauer et al. (Genet Med. 2018). Collection method: clinical testing. Allele origin: germline. Inheritance: Autosomal dominant inheritance. Affected: yes. Observed: 1 variant allele.
Comment: This variant has been identified by standard clinical testing. Selected ACMG criteria: Pathogenic (I):PM2;PS2;PVS1